The following is an entry in ClinVar:

NM_000038.6(APC):c.4484G>A (p.Ser1495Asn)

Gene: APC (APC regulator of Wnt signaling pathway; plus strand). Cytogenetic location: 5q22.2.
Variant type: single nucleotide variant.
Coding change: c.4484G>A on transcript NM_000038.6 (MANE Select); coding-DNA position 4484, G replaced by A.
Protein change: p.Ser1495Asn; replaces serine 1495 with asparagine.
Molecular consequence: missense variant.
Genome position (GRCh38, 1-based): chr5:112,840,078, G>A. VCF-style: chr5-112840078-G-A. GRCh37 (hg19) VCF-style: chr5-112175775-G-A.
Other names: c.4484G>A, p.Ser1495Asn (NM_001127510.3, NM_001354895.2); c.4430G>A, p.Ser1477Asn (NM_001127511.3); c.4538G>A, p.Ser1513Asn (NM_001354896.2); c.4514G>A, p.Ser1505Asn (NM_001354897.2); c.4409G>A, p.Ser1470Asn (NM_001354898.2); c.4400G>A, p.Ser1467Asn (NM_001354899.2); c.4361G>A, p.Ser1454Asn (NM_001354900.2); c.4307G>A, p.Ser1436Asn (NM_001354901.2); and 5 more; short protein forms S1335N, S1394N, S1470N, S1505N, S1436N, S1495N, S1369N, S1404N.
Identifiers: ClinVar variation 824929 (VCV000824929.8), dbSNP rs1580648741, ClinGen allele CA16031147.

ClinVar aggregate classification (germline): Uncertain significance. Review status: criteria provided, multiple submitters, no conflicts (2 of 4 stars). 3 submissions from 3 submitters: Uncertain significance (3). Last evaluated 2024-03-05.

Conditions:
Hereditary cancer-predisposing syndrome. Also called: Neoplastic Syndromes, Hereditary; Tumor predisposition; Hereditary neoplastic syndrome; Hereditary Cancer Syndrome. Identifiers: Orphanet 140162, MedGen C0027672, MeSH D009386, MONDO:0015356.
Familial adenomatous polyposis 1 (FAP1). Also called: POLYPOSIS, ADENOMATOUS INTESTINAL; FAMILIAL ADENOMATOUS POLYPOSIS 1, ATTENUATED. Identifiers: MedGen C2713442, MONDO:0021056, OMIM 175100. Disease mechanism: loss of function.

Submissions (3):

Ambry Genetics
Classification: Uncertain significance for Hereditary cancer-predisposing syndrome. Last evaluated: 2024-03-05. Review status: criteria provided, single submitter. Criteria: Ambry Variant Classification Scheme 2023. Collection method: clinical testing. Allele origin: germline.
Comment: The p.S1495N variant (also known as c.4484G>A), located in coding exon 15 of the APC gene, results from a G to A substitution at nucleotide position 4484. The serine at codon 1495 is replaced by asparagine, an amino acid with highly similar properties. This amino acid position is highly conserved in available vertebrate species. In addition, in silico predictors for this gene do not accurately predict pathogenicity. Since supporting evidence is limited at this time, the clinical significance of this alteration remains unclear.

Labcorp Genetics (formerly Invitae), Labcorp
Classification: Uncertain significance for Familial adenomatous polyposis 1. Last evaluated: 2023-10-20. Review status: criteria provided, single submitter. Criteria: Invitae Variant Classification Sherloc (09022015). Collection method: clinical testing. Allele origin: germline.
Comment: This sequence change replaces serine, which is neutral and polar, with asparagine, which is neutral and polar, at codon 1495 of the APC protein (p.Ser1495Asn). This variant is not present in population databases (gnomAD no frequency). This variant has not been reported in the literature in individuals affected with APC-related conditions. ClinVar contains an entry for this variant (Variation ID: 824929). Advanced modeling of protein sequence and biophysical properties (such as structural, functional, and spatial information, amino acid conservation, physicochemical variation, residue mobility, and thermodynamic stability) performed at Invitae indicates that this missense variant is not expected to disrupt APC protein function. In summary, the available evidence is currently insufficient to determine the role of this variant in disease. Therefore, it has been classified as a Variant of Uncertain Significance.

GeneDx
Classification: Uncertain significance. Last evaluated: 2022-06-07. Review status: criteria provided, single submitter. Criteria: GeneDx Variant Classification Process June 2021. Collection method: clinical testing. Allele origin: germline. Affected: yes.
Comment: Not observed at significant frequency in large population cohorts (gnomAD); In silico analysis supports that this missense variant does not alter protein structure/function; Has not been previously published as pathogenic or benign to our knowledge; This variant is associated with the following publications: (PMID: 18199528)